The following is an entry in ClinVar:

ClinVar aggregate classification (germline): Uncertain significance. Review status: criteria provided, single submitter (1 of 4 stars). 2 submissions from 2 submitters: Uncertain significance (1). 1 of the submissions does not count toward it. Last evaluated 2021-09-01.

Conditions:
Usher syndrome type 1 (USH1). Also called: RETINITIS PIGMENTOSA AND CONGENITAL DEAFNESS. Identifiers: Orphanet 231169, Orphanet 886, MedGen C1568247, MONDO:0010168, OMIM 276900.

Allele frequency attached by ClinVar (database versions not stated): TOPMed below 0.00001; gnomAD 0.00001.
gnomAD v4.1: 1 of 1,608,458 alleles (0.000062%); highest among the groups gnomAD compares: Admixed American, 0.0017%; no homozygotes.

Submissions (2):

Labcorp Genetics (formerly Invitae), Labcorp
Classification: Uncertain significance. Last evaluated: 2021-09-01. Review status: criteria provided, single submitter. Criteria: Invitae Variant Classification Sherloc (09022015). Collection method: clinical testing. Allele origin: germline.
Comment: This sequence change replaces alanine with valine at codon 3327 of the CDH23 protein (p.Ala3327Val). The alanine residue is highly conserved and there is a small physicochemical difference between alanine and valine. This variant is not present in population databases (ExAC no frequency). This variant has not been reported in the literature in individuals affected with CDH23-related conditions. Algorithms developed to predict the effect of missense changes on protein structure and function are either unavailable or do not agree on the potential impact of this missense change (SIFT: "Deleterious"; PolyPhen-2: "Not Available"; Align-GVGD: "Class C0"). In summary, the available evidence is currently insufficient to determine the role of this variant in disease. Therefore, it has been classified as a Variant of Uncertain Significance.

Natera, Inc.
Classification: Uncertain significance for Usher syndrome type 1. Last evaluated: 2021-08-06. Review status: no assertion criteria provided. Collection method: clinical testing. Allele origin: germline. Not counted in ClinVar's aggregate classification.

NM_022124.6(CDH23):c.9980C>T (p.Ala3327Val)

Gene: CDH23 (cadherin related 23; plus strand). Cytogenetic location: 10q22.1.
Variant type: single nucleotide variant.
Coding change: c.9980C>T on transcript NM_022124.6 (MANE Select); coding-DNA position 9980, C replaced by T.
Protein change: p.Ala3327Val; replaces alanine 3327 with valine.
Molecular consequence: missense variant.
Genome position (GRCh38, 1-based): chr10:71,815,193, C>T. VCF-style: chr10-71815193-C-T. GRCh37 (hg19) VCF-style: chr10-73574950-C-T.
Other names: c.3260C>T, p.Ala1087Val (NM_001171933.1); c.3155C>T, p.Ala1052Val (NM_001171934.1); c.671C>T, p.Ala224Val (NM_001171935.1); c.566C>T, p.Ala189Val (NM_001171936.1); short protein forms A1052V, A1087V, A189V, A224V, A3327V.
Identifiers: ClinVar variation 1010070 (VCV001010070.7), dbSNP rs1393090121, ClinGen allele CA377138887.